The following is an entry in ClinVar:

ClinVar aggregate classification (germline): Pathogenic (1 of 4 stars; one submission).

Submission:

Labcorp Genetics (formerly Invitae), Labcorp
Classification: Pathogenic. Last evaluated: 2025-07-02. Review status: criteria provided, single submitter. Criteria: Invitae Variant Classification Sherloc (09022015). Collection method: clinical testing. Allele origin: germline.
Comment: This sequence change creates a premature translational stop signal (p.Trp1088*) in the UNC80 gene. It is expected to result in an absent or disrupted protein product. Loss-of-function variants in UNC80 are known to be pathogenic (PMID: 26545877, 26708751, 26708753). This variant is not present in population databases (gnomAD no frequency). This variant has not been reported in the literature in individuals affected with UNC80-related conditions. For these reasons, this variant has been classified as Pathogenic.

Literature cited by the submitters: PubMed 26545877; PubMed 26708751; PubMed 26708753.

NM_001371986.1(UNC80):c.3257G>A (p.Trp1086Ter)

Gene: UNC80 (unc-80 subunit of NALCN channel complex; plus strand). Cytogenetic location: 2q34.
Variant type: single nucleotide variant.
Coding change: c.3257G>A on transcript NM_001371986.1 (MANE Select); coding-DNA position 3257, G replaced by A.
Protein change: p.Trp1086Ter; replaces tryptophan 1086 with a stop codon.
Molecular consequence: nonsense.
Genome position (GRCh38, 1-based): chr2:209,840,548, G>A. VCF-style: chr2-209840548-G-A. GRCh37 (hg19) VCF-style: chr2-210705272-G-A.
Other names: c.3263G>A, p.Trp1088Ter (NM_032504.2); c.3248G>A, p.Trp1083Ter (NM_182587.4); short protein forms W1083*, W1088*, W1086*.
Identifiers: ClinVar variation 4722483 (VCV004722483.1).